The following is an entry in ClinVar:

ClinVar aggregate classification (germline): Uncertain significance. Review status: criteria provided, multiple submitters, no conflicts (2 of 4 stars). 2 submissions from 2 submitters: Uncertain significance (2). Last evaluated 2025-07-15.

Conditions:
MYOT-related disorder. Also called: MYOT-related condition.
Myofibrillar myopathy 3 (MFM3). Also called: Autosomal dominant spheroid body myopathy; Muscular dystrophy, proximal, type 1A. Identifiers: Orphanet 266, Orphanet 268129, MedGen C3714934, MONDO:0012215, OMIM 609200.

gnomAD v4.1: 2 of 1,613,960 alleles (0.00012%); highest among the groups gnomAD compares: Non-Finnish European, 0.00017%; no homozygotes.

Submissions (2):

PreventionGenetics, part of Exact Sciences
Classification: Uncertain significance for MYOT-related condition. Last evaluated: 2025-07-15. Review status: criteria provided, single submitter. Criteria: ACMG Guidelines, 2015. Collection method: clinical testing. Allele origin: germline.
Comment: The MYOT c.752G>T variant is predicted to result in the amino acid substitution p.Arg251Leu. To our knowledge, this variant has not been reported in the literature or in a large population database (gnomAD), indicating this variant is rare. At this time, the clinical significance of this variant is uncertain due to the absence of conclusive functional and genetic evidence

Labcorp Genetics (formerly Invitae), Labcorp
Classification: Uncertain significance for Myofibrillar myopathy 3. Last evaluated: 2025-06-17. Review status: criteria provided, single submitter. Criteria: Invitae Variant Classification Sherloc (09022015). Collection method: clinical testing. Allele origin: germline.
Comment: This sequence change replaces arginine, which is basic and polar, with leucine, which is neutral and non-polar, at codon 251 of the MYOT protein (p.Arg251Leu). This variant is not present in population databases (gnomAD no frequency). This variant has not been reported in the literature in individuals affected with MYOT-related conditions. Invitae Evidence Modeling of protein sequence and biophysical properties (such as structural, functional, and spatial information, amino acid conservation, physicochemical variation, residue mobility, and thermodynamic stability) indicates that this missense variant is not expected to disrupt MYOT protein function with a negative predictive value of 80%. In summary, the available evidence is currently insufficient to determine the role of this variant in disease. Therefore, it has been classified as a Variant of Uncertain Significance.

NM_006790.3(MYOT):c.752G>T (p.Arg251Leu)

Genes: MYOT (myotilin; plus strand), PKD2L2-DT (PKD2L2 divergent transcript; minus strand). Cytogenetic location: 5q31.2.
Variant type: single nucleotide variant.
Coding change: c.752G>T on transcript NM_006790.3 (MANE Select); coding-DNA position 752, G replaced by T.
Protein change: p.Arg251Leu; replaces arginine 251 with leucine.
Molecular consequence: missense variant.
Genome position (GRCh38, 1-based): chr5:137,882,041, G>T. VCF-style: chr5-137882041-G-T. GRCh37 (hg19) VCF-style: chr5-137217730-G-T.
Other names: c.200G>T, p.Arg67Leu (NM_001135940.2); c.407G>T, p.Arg136Leu (NM_001300911.2); short protein forms R136L, R251L, R67L.
Identifiers: ClinVar variation 4778574 (VCV004778574.2).